The following is an entry in ClinVar:

NM_033305.3(VPS13A):c.4879_4880dup (p.Asp1627fs)

Gene: VPS13A (vacuolar protein sorting 13 homolog A; plus strand). Cytogenetic location: 9q21.2.
Variant type: Duplication.
Coding change: c.4879_4880dup on transcript NM_033305.3 (MANE Select); coding-DNA positions 4879 to 4880, 2 bases duplicated (GA; older notation c.4879_4880dupGA).
Protein change: p.Asp1627fs; shifts the reading frame from aspartic acid 1627.
Molecular consequence: frameshift variant.
Genome position (GRCh38, 1-based): chr9:77,317,621-77,317,622, GA duplicated. VCF-style (leftmost placement, unchanged base first): chr9-77317620-T-TGA. GRCh37 (hg19) VCF-style: chr9-79932536-T-TGA.
Other names: c.4762_4763dup, p.Asp1588fs (NM_001018037.2); c.4879_4880dup, p.Asp1627fs (NM_001018038.3, NM_015186.4); short protein forms D1588fs, D1627fs.
Identifiers: ClinVar variation 2094477 (VCV002094477.4), dbSNP rs2537991858, ClinGen allele CA2580080760.

ClinVar aggregate classification (germline): Pathogenic (1 of 4 stars; one submission).

Submission:

Labcorp Genetics (formerly Invitae), Labcorp
Classification: Pathogenic. Last evaluated: 2022-02-08. Review status: criteria provided, single submitter. Criteria: Invitae Variant Classification Sherloc (09022015). Collection method: clinical testing. Allele origin: germline.
Comment: This variant has not been reported in the literature in individuals affected with VPS13A-related conditions. Algorithms developed to predict the effect of sequence changes on RNA splicing suggest that this variant may create or strengthen a splice site. For these reasons, this variant has been classified as Pathogenic. This variant is not present in population databases (gnomAD no frequency). This sequence change creates a premature translational stop signal (p.Asp1627Glufs*16) in the VPS13A gene. It is expected to result in an absent or disrupted protein product. Loss-of-function variants in VPS13A are known to be pathogenic (PMID: 12404112, 21598378).

Literature cited by the submitters: PubMed 12404112; PubMed 21598378.